The following is an entry in ClinVar:

ClinVar aggregate classification (germline): Pathogenic (1 of 4 stars; one submission).

Conditions:
Lynch syndrome 5 (LYNCH5). Also called: Colorectal cancer, hereditary nonpolyposis, type 5; Hereditary non-polyposis colorectal cancer, type 5. Identifiers: Orphanet 144, MedGen C1833477, MONDO:0013710, OMIM 614350. Disease mechanism: loss of function.

Submission:

Myriad Genetics, Inc.
Classification: Pathogenic for Lynch syndrome 5. Last evaluated: 2023-08-15. Review status: criteria provided, single submitter. Criteria: Myriad Autosomal Dominant, Autosomal Recessive and X-Linked Classification Criteria (2023). Collection method: clinical testing. Allele origin: unknown.
Comment: This variant is considered pathogenic. This variant creates a frameshift predicted to result in premature protein truncation.

NM_000179.3(MSH6):c.1829del (p.Lys610fs)

Gene: MSH6 (mutS homolog 6; plus strand). Cytogenetic location: 2p16.3.
Variant type: Deletion.
Coding change: c.1829del on transcript NM_000179.3 (MANE Select); coding-DNA position 1829, one base deleted (A; older notation c.1829delA).
Protein change: p.Lys610fs; shifts the reading frame from lysine 610.
Molecular consequence: frameshift variant. On other transcripts: non-coding transcript variant (4), intron variant (2).
Genome position (GRCh38, 1-based): chr2:47,799,812, A deleted; the last of 3 consecutive A bases (chr2:47,799,810-47,799,812); deleting any one gives the same sequence. VCF-style (leftmost placement, unchanged base first): chr2-47799809-TA-T. GRCh37 (hg19) VCF-style: chr2-48026948-TA-T.
Other names: c.1439del, p.Lys480fs (NM_001281492.2); c.923del, p.Lys308fs (NM_001281493.2, NM_001281494.2, NM_001406811.1 and 6 more transcripts); c.1925del, p.Lys642fs (NM_001406795.1, NM_001406802.1); c.1829del, p.Lys610fs (NM_001406796.1, NM_001406798.1, NM_001406800.1 and 3 more transcripts); c.1532del, p.Lys511fs (NM_001406797.1, NM_001406801.1, NM_001406805.1 and 10 more transcripts); c.1304del, p.Lys435fs (NM_001406799.1, NM_001406806.1, NM_001406807.1); c.1751del, p.Lys584fs (NM_001406804.1); c.1835del, p.Lys612fs (NM_001406813.1); and 3 more; short protein forms K308fs, K435fs, K480fs, K511fs, K554fs, K584fs, K610fs, K612fs.
Identifiers: ClinVar variation 2673621 (VCV002673621.1), dbSNP rs2530632695, ClinGen allele CA1139768274.
Genomic context (GRCh38, chr2:47,799,809, plus strand): 5'-ATCCCCCAGTACAAGTTTTATTTGAAAAAGGAAATCTCTCAAAGGAAACTAAAACAATTC[TA>T]AAGAGTTCATTGTCCTGTTCTCTTCAGGAAGGTCTGATACCCGGCTCCCAGTTTTGGGAT-3'